The following is an entry in ClinVar:

ClinVar aggregate classification (germline): Uncertain significance (1 of 4 stars; one submission).

Conditions:
NCOA1-related disorder. Also called: NCOA1-related condition.

Submission:

PreventionGenetics, part of Exact Sciences
Classification: Uncertain significance for NCOA1-related condition. Last evaluated: 2025-02-21. Review status: criteria provided, single submitter. Criteria: ACMG Guidelines, 2015. Collection method: clinical testing. Allele origin: germline.
Comment: The NCOA1 c.2967C>G variant is predicted to result in the amino acid substitution p.Asn989Lys. To our knowledge, this variant has not been reported in the literature or in a large population database (gnomAD), indicating this variant is rare. At this time, the clinical significance of this variant is uncertain due to the absence of conclusive functional and genetic evidence.

NM_003743.5(NCOA1):c.2967C>G (p.Asn989Lys)

Gene: NCOA1 (nuclear receptor coactivator 1; plus strand). Cytogenetic location: 2p23.3.
Variant type: single nucleotide variant.
Coding change: c.2967C>G on transcript NM_003743.5 (MANE Select); coding-DNA position 2967, C replaced by G.
Protein change: p.Asn989Lys; replaces asparagine 989 with lysine.
Molecular consequence: missense variant.
Genome position (GRCh38, 1-based): chr2:24,729,581, C>G. VCF-style: chr2-24729581-C-G. GRCh37 (hg19) VCF-style: chr2-24952450-C-G.
Other names: c.2967C>G, p.Asn989Lys (NM_001362950.1, NM_001362952.1, NM_001362954.1 and 3 more transcripts); short protein forms N989K.
Identifiers: ClinVar variation 5001546 (VCV005001546.1).